The following is an entry in ClinVar:

ClinVar aggregate classification (germline): Conflicting classifications of pathogenicity. Review status: criteria provided, conflicting classifications (1 of 4 stars). 32 submissions from 29 submitters: Uncertain significance (1); Benign (17); Likely benign (8). 6 of the submissions do not count toward it. Last evaluated 2026-09-01.

Conditions:
Hereditary cancer-predisposing syndrome. Also called: Neoplastic Syndromes, Hereditary; Hereditary neoplastic syndrome; Hereditary Cancer Syndrome; Tumor predisposition. Identifiers: Orphanet 140162, MedGen C0027672, MeSH D009386, MONDO:0015356.
Juvenile myelomonocytic leukemia (JMML). Also called: LEUKEMIA, JUVENILE MYELOMONOCYTIC, SOMATIC. Identifiers: Orphanet 86834, MedGen C0349639, MONDO:0011908, OMIM 607785, HP:0012209.
Neurofibromatosis-Noonan syndrome (NFNS). Also called: NEUROFIBROMATOSIS WITH NOONAN PHENOTYPE. Identifiers: Orphanet 638, MedGen C2931482, MONDO:0011035, OMIM 601321. Disease mechanism: loss of function.
Café-au-lait macules with pulmonary stenosis (WTSN). Also called: PULMONIC STENOSIS WITH CAFE-AU-LAIT SPOTS. Identifiers: MedGen C0553586, MONDO:0008672, OMIM 193520.
Neurofibromatosis, type 1 (NF1). Also called: Neurofibromatosis, type I; VON RECKLINGHAUSEN DISEASE; NEUROFIBROMATOSIS, TYPE I, SOMATIC; Peripheral type neurofibromatosis. Identifiers: Orphanet 636, MedGen C0027831, MONDO:0018975, OMIM 162200. Disease mechanism: loss of function.
Neurofibromatosis, familial spinal (FSNF). Identifiers: Orphanet 636, MedGen C1834235, MONDO:0008078, OMIM 162210. Disease mechanism: loss of function.

Allele frequency attached by ClinVar (database versions not stated): gnomAD 0.00398 and 0.00380; 1000 Genomes Project 0.00080; ESP Exome Variant Server 0.00346; ExAC 0.00329; gnomAD exomes 0.00348; 1000 Genomes Project 30x 0.00062; TOPMed 0.00292.
gnomAD v4.1: 6,645 of 1,612,888 alleles (0.41%); highest among the groups gnomAD compares: Non-Finnish European, 0.47%; 17 homozygotes.

Submissions 1 to 20 of 32:

CeGaT Center for Human Genetics Tuebingen
Classification: Benign. Last evaluated: 2026-09-01. Review status: criteria provided, single submitter. Criteria: CeGaT Center For Human Genetics Tuebingen Variant Classification Criteria Version 2. Collection method: clinical testing. Allele origin: germline. Affected: yes. Observed: 59 variant alleles.
Comment: NF1: BS1, BS2

Myriad Genetics, Inc.
Classification: Likely benign for Neurofibromatosis, type 1. Last evaluated: 2026-05-11. Review status: criteria provided, single submitter. Criteria: Myriad Autosomal Dominant, Autosomal Recessive and X-Linked Classification Criteria (2023). Collection method: clinical testing. Allele origin: unknown.
Comment: This variant is considered likely benign. This variant has been observed at a population frequency that is significantly greater than expected given the associated disease prevalence and penetrance.

Labcorp Genetics (formerly Invitae), Labcorp
Classification: Benign for Neurofibromatosis, type 1. Last evaluated: 2026-02-04. Review status: criteria provided, single submitter. Criteria: Invitae Variant Classification Sherloc (09022015). Collection method: clinical testing. Allele origin: germline.

Dasa
Classification: Benign. Last evaluated: 2025-10-29. Review status: criteria provided, single submitter. Criteria: DASA Assertion Criteria. Collection method: clinical testing. Allele origin: germline.
Comment: NM_001042492.3(NF1):c.528T>A (p.Asp176Glu) is a missense variant that results in the substitution of aspartic acid with glutamic acid. Population frequency is inconsistent with a disease-causing role for this variant, and observations in unaffected individuals support a benign interpretation. Therefore, based on the currently available evidence, this variant is classified as benign.

Laboratorio de I+D, Fundación Centro Médico de Asturias
Classification: Likely benign for Hereditary cancer-predisposing syndrome. Last evaluated: 2025-07-17. Review status: criteria provided, single submitter. Criteria: ACMG Guidelines, 2015. Collection method: clinical testing. Allele origin: germline.
Comment: BS1+BS2+PP2+PP3

Blueprint Genetics
Classification: Benign. Last evaluated: 2024-11-27. Review status: criteria provided, single submitter. Criteria: ACMG Guidelines, 2015. Collection method: clinical testing. Allele origin: germline.

ARUP Laboratories, Molecular Genetics and Genomics, ARUP Laboratories
Classification: Benign. Last evaluated: 2024-09-16. Review status: criteria provided, single submitter. Criteria: ARUP Molecular Germline Variant Investigation Process 2024. Collection method: clinical testing. Allele origin: germline.

Mayo Clinic Laboratories, Mayo Clinic
Classification: Benign. Last evaluated: 2024-07-30. Review status: criteria provided, single submitter. Criteria: ACMG Guidelines, 2015. Collection method: clinical testing. Allele origin: germline. Observed: 11 variant alleles.
Comment: BS1, BS2, BP2

Department of Pathology and Laboratory Medicine, Sinai Health System
Classification: Benign for Neurofibromatosis, type 1; Neurofibromatosis, familial spinal; Café-au-lait macules with pulmonary stenosis; Neurofibromatosis-Noonan syndrome; Juvenile myelomonocytic leukemia. Last evaluated: 2024-05-28. Review status: criteria provided, single submitter. Criteria: ACMG Guidelines, 2015. Collection method: clinical testing. Allele origin: germline. Affected: yes.

Institute for Clinical Genetics, University Hospital TU Dresden, University Hospital TU Dresden
Classification: Likely benign. Last evaluated: 2021-11-03. Review status: criteria provided, single submitter. Criteria: ACMG Guidelines, 2015. Collection method: clinical testing. Allele origin: germline.

Genome Diagnostics Laboratory, The Hospital for Sick Children
Classification: Benign for Neurofibromatosis, type 1. Last evaluated: 2020-10-26. Review status: criteria provided, single submitter. Criteria: ACMG Guidelines, 2015. Collection method: clinical testing. Allele origin: germline. Affected: yes.

Athena Diagnostics
Classification: Benign. Last evaluated: 2020-09-16. Review status: criteria provided, single submitter. Criteria: Athena Diagnostics criteria. Collection method: clinical testing. Allele origin: unknown.

Sema4
Classification: Benign for Hereditary cancer-predisposing syndrome. Last evaluated: 2020-07-15. Review status: criteria provided, single submitter. Criteria: Sema4 Curation Guidelines. Collection method: curation. Allele origin: germline.

Mendelics
Classification: Likely benign for Neurofibromatosis, type 1. Last evaluated: 2019-05-28. Review status: criteria provided, single submitter. Criteria: Mendelics Assertion Criteria 2017. Collection method: clinical testing. Allele origin: unknown.

Women's Health and Genetics/Laboratory Corporation of America, LabCorp
Classification: Benign. Last evaluated: 2017-11-27. Review status: criteria provided, single submitter. Criteria: LabCorp Variant Classification Summary - May 2015. Collection method: clinical testing. Allele origin: germline.
Comment: Variant summary: The NF1 c.528T>A (p.Asp176Glu) variant involves the alteration of a non-conserved nucleotide and is predicted to be damaging by 3/5 in silico tools. This variant was found in 1021/277004 control chromosomes (gnomAD), predominantly observed in the European (Finnish) subpopulation at a frequency of 0.011683 (301/25764). This frequency is about 56 times the estimated maximal expected allele frequency of a pathogenic NF1 variant (0.0002084), suggesting this is likely a benign polymorphism found primarily in the populations of European (Finnish) origin. This variant has been reported in several patients with neurofibromatosis type 1, including evidence of lack of cosegregation with disease and co-occurrence with other pathogenic variants in the same gene (Fahsold_2000, Ars_2003, and Nemethova_2013), strongly supporting for the benign outcome. In addition, multiple clinical diagnostic laboratories/reputable databases have classified this variant as benign. Taken together, this variant is classified as Benign.

Illumina Laboratory Services, Illumina
Classification: Likely benign for Neurofibromatosis, familial spinal. Last evaluated: 2017-04-27. Review status: criteria provided, single submitter. Criteria: ICSL Variant Classification Criteria 13 December 2019. Collection method: clinical testing. Allele origin: germline.
Comment: This variant was observed as part of a predisposition screen in an ostensibly healthy population. A literature search was performed for the gene, cDNA change, and amino acid change (where applicable). No publications were found based on this search. Allele frequency data from public databases allowed determination this variant is unlikely to cause disease. Therefore, this variant is classified as likely benign.

Illumina Laboratory Services, Illumina
Classification: Likely benign for Café-au-lait macules with pulmonary stenosis. Last evaluated: 2017-04-27. Review status: criteria provided, single submitter. Criteria: ICSL Variant Classification Criteria 13 December 2019. Collection method: clinical testing. Allele origin: germline.
Comment: the same text as in the submission from Illumina Laboratory Services, Illumina above.

Illumina Laboratory Services, Illumina
Classification: Likely benign for Neurofibromatosis, type 1. Last evaluated: 2017-04-27. Review status: criteria provided, single submitter. Criteria: ICSL Variant Classification Criteria 13 December 2019. Collection method: clinical testing. Allele origin: germline.
Comment: This variant was observed as part of a predisposition screen in an ostensibly healthy population. A literature search was performed for the gene, cDNA change, and amino acid change (where applicable). Publications were found based on this search. The evidence from the literature, in combination with allele frequency data from public databases where available, was sufficient to determine this variant is unlikely to cause disease. Therefore, this variant is classified as likely benign.

Illumina Laboratory Services, Illumina
Classification: Likely benign for Neurofibromatosis-Noonan syndrome. Last evaluated: 2017-04-27. Review status: criteria provided, single submitter. Criteria: ICSL Variant Classification Criteria 13 December 2019. Collection method: clinical testing. Allele origin: germline.
Comment: the same text as in the submission from Illumina Laboratory Services, Illumina above.

Center for Pediatric Genomic Medicine, Children's Mercy Hospital and Clinics
Classification: Benign. Last evaluated: 2017-01-03. Review status: criteria provided, single submitter. Criteria: ACMG Guidelines, 2015. Collection method: clinical testing. Allele origin: germline.

NM_001042492.3(NF1):c.528T>A (p.Asp176Glu)

Gene: NF1 (neurofibromin 1; plus strand). Cytogenetic location: 17q11.2.
Variant type: single nucleotide variant.
Coding change: c.528T>A on transcript NM_001042492.3 (MANE Select); coding-DNA position 528, T replaced by A.
Protein change: p.Asp176Glu; replaces aspartic acid 176 with glutamic acid.
Molecular consequence: missense variant.
Genome position (GRCh38, 1-based): chr17:31,169,939, T>A. VCF-style: chr17-31169939-T-A. GRCh37 (hg19) VCF-style: chr17-29496957-T-A.
Other names: c.528T>A (NM_001042492.1); c.528T>A, p.Asp176Glu (NM_000267.4, NM_001128147.3); short protein forms D176E.
Identifiers: ClinVar variation 41673 (VCV000041673.87), dbSNP rs112306990, ClinGen allele CA161065.
Genomic context (GRCh38, chr17:31,169,939, plus strand): 5'-TTTACTTTTTAGGTTACAGGAATTAACTGTTTGTTCAGAAGACAATGTTGATGTTCATGA[T>A]ATAGAATTGTTACAGTATATCAATGTGGATTGTGCAAAATTAAAACGACTCCTGAAGGGT-3'
Protein context (NP_001035957.1, residues 166-186): VCSEDNVDVH[Asp176Glu]IELLQYINVD